The following is an entry in ClinVar:

ClinVar aggregate classification (germline): Likely benign. Review status: criteria provided, multiple submitters, no conflicts (2 of 4 stars). 2 submissions from 2 submitters: Likely benign (2). Last evaluated 2025-08-13.

Conditions:
Warts, hypogammaglobulinemia, infections, and myelokathexis. Also called: WHIM syndrome. Identifiers: MedGen C0472817, MONDO:0023880.

Allele frequency attached by ClinVar (database versions not stated): gnomAD 0.00002 and 0.00003; gnomAD exomes 0.00002 and 0.00003; TOPMed 0.00002; ExAC 0.00004.
gnomAD v4.1: 28 of 1,614,098 alleles (0.0017%); highest among the groups gnomAD compares: African/African-American, 0.011%; no homozygotes.

Submissions (2):

Labcorp Genetics (formerly Invitae), Labcorp
Classification: Likely benign for Warts, hypogammaglobulinemia, infections, and myelokathexis. Last evaluated: 2025-08-13. Review status: criteria provided, single submitter. Criteria: Invitae Variant Classification Sherloc (09022015). Collection method: clinical testing. Allele origin: germline.

CeGaT Center for Human Genetics Tuebingen
Classification: Likely benign. Last evaluated: 2025-08-01. Review status: criteria provided, single submitter. Criteria: CeGaT Center For Human Genetics Tuebingen Variant Classification Criteria Version 2. Collection method: clinical testing. Allele origin: germline. Affected: yes. Observed: 1 variant allele.
Comment: CXCR4: BP4, BP7

NM_003467.3(CXCR4):c.420C>T (p.His140=)

Gene: CXCR4 (C-X-C motif chemokine receptor 4; minus strand). Cytogenetic location: 2q22.1.
Variant type: single nucleotide variant.
Coding change: c.420C>T on transcript NM_003467.3 (MANE Select); coding-DNA position 420, C replaced by T.
Protein change: p.His140=; no amino-acid change (histidine 140 retained).
Molecular consequence: synonymous variant.
Genome position (GRCh38, 1-based): chr2:136,115,508, G>A on the plus strand (C>T on the coding strand, the complement: CXCR4 is on the minus strand). VCF-style: chr2-136115508-G-A. GRCh37 (hg19) VCF-style: chr2-136873078-G-A.
Other names: c.432C>T, p.His144= (NM_001008540.2); c.633C>T, p.His211= (NM_001348056.2); c.519C>T, p.His173= (NM_001348059.2); c.375C>T, p.His125= (NM_001348060.2).
Identifiers: ClinVar variation 1647932 (VCV001647932.16), dbSNP rs774159824, ClinGen allele CA1890122.